The following is an entry in ClinVar:

NM_006206.6(PDGFRA):c.2365G>C (p.Gly789Arg)

Gene: PDGFRA (platelet derived growth factor receptor alpha; plus strand). Cytogenetic location: 4q12.
Variant type: single nucleotide variant.
Coding change: c.2365G>C on transcript NM_006206.6 (MANE Select); coding-DNA position 2365, G replaced by C.
Protein change: p.Gly789Arg; replaces glycine 789 with arginine.
Molecular consequence: missense variant.
Genome position (GRCh38, 1-based): chr4:54,285,412, G>C. VCF-style: chr4-54285412-G-C. GRCh37 (hg19) VCF-style: chr4-55151579-G-C.
Other names: c.2440G>C, p.Gly814Arg (NM_001347828.2); c.2365G>C, p.Gly789Arg (NM_001347829.2); c.2404G>C, p.Gly802Arg (NM_001347830.2); short protein forms G789R, G802R, G814R.
Identifiers: ClinVar variation 661047 (VCV000661047.9), dbSNP rs999271001, ClinGen allele CA96866306.
Genomic context (GRCh38, chr4:54,285,412, plus strand): 5'-TTTAATTTCTTTTCTGCAGACTCAGAAGTCAAAAACCTCCTTTCAGATGATAACTCAGAA[G>C]GCCTTACTTTATTGGATTTGTTGAGCTTCACCTATCAAGTTGCCCGAGGAATGGAGTTTT-3'
Protein context (NP_006197.1, residues 779-799): KNLLSDDNSE[Gly789Arg]LTLLDLLSFT

ClinVar aggregate classification (germline): Uncertain significance. Review status: criteria provided, multiple submitters, no conflicts (2 of 4 stars). 2 submissions from 2 submitters: Uncertain significance (2). Last evaluated 2026-06-15.

Conditions:
Hereditary cancer-predisposing syndrome. Also called: Neoplastic Syndromes, Hereditary; Hereditary Cancer Syndrome; Hereditary neoplastic syndrome; Tumor predisposition. Identifiers: Orphanet 140162, MedGen C0027672, MeSH D009386, MONDO:0015356.
Gastrointestinal stromal tumor. Also called: Gastrointestinal stromal tumor, somatic; Gastrointestinal stroma tumor. Identifiers: Orphanet 44890, MedGen C0238198, MeSH D046152, MONDO:0011719, OMIM 606764, HP:0100723.

Submissions (2):

Ambry Genetics
Classification: Uncertain significance for Hereditary cancer-predisposing syndrome. Last evaluated: 2026-06-15. Review status: criteria provided, single submitter. Criteria: Ambry Variant Classification Scheme 2023. Collection method: clinical testing. Allele origin: germline.
Comment: The p.G789R variant (also known as c.2365G>C), located in coding exon 16 of the PDGFRA gene, results from a G to C substitution at nucleotide position 2365. The glycine at codon 789 is replaced by arginine, an amino acid with dissimilar properties. This amino acid position is highly conserved in available vertebrate species. In addition, this alteration is predicted to be deleterious by in silico analysis. Based on the available evidence, the clinical significance of this variant remains unclear.

Labcorp Genetics (formerly Invitae), Labcorp
Classification: Uncertain significance for Gastrointestinal stromal tumor. Last evaluated: 2025-09-09. Review status: criteria provided, single submitter. Criteria: Invitae Variant Classification Sherloc (09022015). Collection method: clinical testing. Allele origin: germline.
Comment: This sequence change replaces glycine, which is neutral and non-polar, with arginine, which is basic and polar, at codon 789 of the PDGFRA protein (p.Gly789Arg). This variant is not present in population databases (gnomAD no frequency). This variant has not been reported in the literature in individuals affected with PDGFRA-related conditions. ClinVar contains an entry for this variant (Variation ID: 661047). Invitae Evidence Modeling of protein sequence and biophysical properties (such as structural, functional, and spatial information, amino acid conservation, physicochemical variation, residue mobility, and thermodynamic stability) indicates that this missense variant is not expected to disrupt PDGFRA protein function with a negative predictive value of 80%. In summary, the available evidence is currently insufficient to determine the role of this variant in disease. Therefore, it has been classified as a Variant of Uncertain Significance.